The following is an entry in ClinVar:

ClinVar aggregate classification (germline): Likely pathogenic (1 of 4 stars; one submission).

Conditions:
Early-infantile DEE. Also called: Early infantile epileptic encephalopathy; Ohtahara syndrome; Early infantile epileptic encephalopathy with suppression bursts. Identifiers: Orphanet 1934, MedGen C0393706, MONDO:0800491.

Submission:

Labcorp Genetics (formerly Invitae), Labcorp
Classification: Likely pathogenic for Early-infantile DEE. Last evaluated: 2021-05-19. Review status: criteria provided, single submitter. Criteria: Invitae Variant Classification Sherloc (09022015). Collection method: clinical testing. Allele origin: germline.
Comment: This sequence change replaces methionine with valine at codon 1084 of the SCN8A protein (p.Met1084Val). The methionine residue is highly conserved and there is a small physicochemical difference between methionine and valine. This variant is not present in population databases (ExAC no frequency). This variant has been observed in individual(s) with clinical features of SCN8A-related conditions (Invitae). In at least one individual the variant was observed to be de novo. Algorithms developed to predict the effect of missense changes on protein structure and function are either unavailable or do not agree on the potential impact of this missense change (SIFT: "Deleterious"; PolyPhen-2: "Possibly Damaging"; Align-GVGD: "Class C0"). In summary, the currently available evidence indicates that the variant is pathogenic, but additional data are needed to prove that conclusively. Therefore, this variant has been classified as Likely Pathogenic.

NM_001330260.2(SCN8A):c.3250A>G (p.Met1084Val)

Gene: SCN8A (sodium voltage-gated channel alpha subunit 8; plus strand). Cytogenetic location: 12q13.13.
Variant type: single nucleotide variant.
Coding change: c.3250A>G on transcript NM_001330260.2 (MANE Select); coding-DNA position 3250, A replaced by G.
Protein change: p.Met1084Val; replaces methionine 1084 with valine.
Molecular consequence: missense variant.
Genome position (GRCh38, 1-based): chr12:51,769,213, A>G. VCF-style: chr12-51769213-A-G. GRCh37 (hg19) VCF-style: chr12-52162997-A-G.
Other names: c.3250A>G, p.Met1084Val (NM_001177984.3, NM_001369788.1, NM_014191.4); short protein forms M1084V.
Identifiers: ClinVar variation 1504766 (VCV001504766.9), dbSNP rs2138868851, ClinGen allele CA384893222.